The following is an entry in ClinVar:

ClinVar aggregate classification (germline): Uncertain significance (1 of 4 stars; one submission).

Conditions:
Charcot-Marie-Tooth disease axonal type 2Z. Also called: CHARCOT-MARIE-TOOTH DISEASE, AXONAL, AUTOSOMAL DOMINANT, TYPE 2Z; CHARCOT-MARIE-TOOTH NEUROPATHY, TYPE 2Z. Identifiers: Orphanet 466768, MedGen C5569025, MONDO:0014736, OMIM 616688.

Allele frequency attached by ClinVar (database versions not stated): gnomAD 0.00001.
gnomAD v4.1: 4 of 1,613,790 alleles (0.00025%); highest among the groups gnomAD compares: African/African-American, 0.0053%; no homozygotes.

Submission:

Labcorp Genetics (formerly Invitae), Labcorp
Classification: Uncertain significance for Charcot-Marie-Tooth disease axonal type 2Z. Last evaluated: 2022-02-02. Review status: criteria provided, single submitter. Criteria: Invitae Variant Classification Sherloc (09022015). Collection method: clinical testing. Allele origin: germline.
Comment: This sequence change replaces alanine, which is neutral and non-polar, with glycine, which is neutral and non-polar, at codon 625 of the MORC2 protein (p.Ala625Gly). This variant is present in population databases (no rsID available, gnomAD 0.008%). This variant has not been reported in the literature in individuals affected with MORC2-related conditions. Advanced modeling of protein sequence and biophysical properties (such as structural, functional, and spatial information, amino acid conservation, physicochemical variation, residue mobility, and thermodynamic stability) performed at Invitae indicates that this missense variant is expected to disrupt MORC2 protein function. In summary, the available evidence is currently insufficient to determine the role of this variant in disease. Therefore, it has been classified as a Variant of Uncertain Significance.

NM_001303256.3(MORC2):c.1874C>G (p.Ala625Gly)

Gene: MORC2 (MORC family CW-type zinc finger 2; minus strand). Cytogenetic location: 22q12.2.
Variant type: single nucleotide variant.
Coding change: c.1874C>G on transcript NM_001303256.3 (MANE Select); coding-DNA position 1874, C replaced by G.
Protein change: p.Ala625Gly; replaces alanine 625 with glycine.
Molecular consequence: missense variant.
Genome position (GRCh38, 1-based): chr22:30,935,100, G>C on the plus strand (C>G on the coding strand, the complement: MORC2 is on the minus strand). VCF-style: chr22-30935100-G-C. GRCh37 (hg19) VCF-style: chr22-31331087-G-C.
Other names: c.1874C>G, p.Ala625Gly (NM_001303257.2); c.1688C>G, p.Ala563Gly (NM_014941.3); short protein forms A625G, A563G.
Identifiers: ClinVar variation 1407333 (VCV001407333.8), dbSNP rs773737902, ClinGen allele CA411235637.
Genomic context (GRCh38, chr22:30,935,100, plus strand): 5'-GGAGCCTTTCGGGGCTGGCTGGCTGGTCTAGGAGTTGGCAAAGAAGGGGGTCTGCTGGGG[G>C]CGTTCCTGATCACAGCAGGTAAAGGGGGCGACCGAGGACGCTGAGGTCTACGCACAGGTT-3'
Protein context (NP_001290185.1, residues 615-635): SPPLPAVIRN[Ala625Gly]PSRPPSLPTP